The following is an entry in ClinVar:

ClinVar aggregate classification (germline): Uncertain significance (1 of 4 stars; one submission).

Submission:

GeneDx
Classification: Uncertain significance. Last evaluated: 2024-02-28. Review status: criteria provided, single submitter. Criteria: GeneDx Variant Classification Process June 2021. Collection method: clinical testing. Allele origin: germline. Affected: yes.
Comment: Not observed at significant frequency in large population cohorts (gnomAD); In silico analysis supports that this missense variant does not alter protein structure/function; Has not been previously published as pathogenic or benign to our knowledge

NM_003185.4(TAF4):c.1383G>C (p.Glu461Asp)

Gene: TAF4 (TATA-box binding protein associated factor 4; minus strand). Cytogenetic location: 20q13.33.
Variant type: single nucleotide variant.
Coding change: c.1383G>C on transcript NM_003185.4 (MANE Select); coding-DNA position 1383, G replaced by C.
Protein change: p.Glu461Asp; replaces glutamic acid 461 with aspartic acid.
Molecular consequence: missense variant.
Genome position (GRCh38, 1-based): chr20:62,014,685, C>G on the plus strand (G>C on the coding strand, the complement: TAF4 is on the minus strand). VCF-style: chr20-62014685-C-G. GRCh37 (hg19) VCF-style: chr20-60589741-C-G.
Other names: short protein forms E461D.
Identifiers: ClinVar variation 3369759 (VCV003369759.1).